The following is an entry in ClinVar:

NM_000069.3(CACNA1S):c.4669-12C>T

Gene: CACNA1S (calcium voltage-gated channel subunit alpha1 S; minus strand). Cytogenetic location: 1q32.1.
Variant type: single nucleotide variant.
Coding change: c.4669-12C>T on transcript NM_000069.3 (MANE Select); 12 bases into the intron before coding-DNA position 4669, C replaced by T.
Molecular consequence: intron variant.
Genome position (GRCh38, 1-based): chr1:201,044,468, G>A on the plus strand (C>T on the coding strand, the complement: CACNA1S is on the minus strand). VCF-style: chr1-201044468-G-A. GRCh37 (hg19) VCF-style: chr1-201013596-G-A.
Identifiers: ClinVar variation 2191584 (VCV002191584.6), dbSNP rs781496753, ClinGen allele CA083510.

ClinVar aggregate classification (germline): Likely benign. Review status: criteria provided, multiple submitters, no conflicts (2 of 4 stars). 3 submissions from 3 submitters: Likely benign (3). Last evaluated 2026-01-06.

Conditions:
Malignant hyperthermia, susceptibility to, 5 (MHS5). Also called: CACNA1S-Related Malignant Hyperthermia Susceptibility. Identifiers: Orphanet 423, MedGen C1866077, MONDO:0011163, OMIM 601887.
Hypokalemic periodic paralysis, type 1. Also called: HypoPP; Hypokalemic Periodic Paralysis Type 1 (AD). Identifiers: Orphanet 681, MedGen C3714580, MONDO:0042979, OMIM 170400.

Allele frequency attached by ClinVar (database versions not stated): ExAC 0.00010; TOPMed 0.00011; gnomAD 0.00013; gnomAD exomes 0.00015.

Submissions (3):

Labcorp Genetics (formerly Invitae), Labcorp
Classification: Likely benign for Hypokalemic periodic paralysis, type 1; Malignant hyperthermia, susceptibility to, 5. Last evaluated: 2026-01-06. Review status: criteria provided, single submitter. Criteria: Invitae Variant Classification Sherloc (09022015). Collection method: clinical testing. Allele origin: germline.

All of Us Research Program, National Institutes of Health
Classification: Likely benign for Malignant hyperthermia, susceptibility to, 5. Last evaluated: 2024-02-05. Review status: criteria provided, single submitter. Criteria: ACMG Guidelines, 2015. Collection method: clinical testing. Allele origin: germline. Inheritance: Autosomal dominant inheritance. Observed: 13 variant alleles, 13 heterozygotes.
Comment: This study involves interpretation of variants in research participants for the purpose of population health screening. Participant phenotype was not available at the time of variant classification. Additional details can be found in publication PMID: 35346344, PMCID: PMC8962531

Color Diagnostics, LLC DBA Color Health
Classification: Likely benign for Malignant hyperthermia, susceptibility to, 5. Last evaluated: 2022-12-15. Review status: criteria provided, single submitter. Criteria: ACMG Guidelines, 2015. Collection method: clinical testing. Allele origin: germline.